The following is an entry in ClinVar:

NM_006939.4(SOS2):c.709C>T (p.Pro237Ser)

Gene: SOS2 (SOS Ras/Rho guanine nucleotide exchange factor 2; minus strand). Cytogenetic location: 14q21.3.
Variant type: single nucleotide variant.
Coding change: c.709C>T on transcript NM_006939.4 (MANE Select); coding-DNA position 709, C replaced by T.
Protein change: p.Pro237Ser; replaces proline 237 with serine.
Molecular consequence: missense variant.
Genome position (GRCh38, 1-based): chr14:50,188,502, G>A on the plus strand (C>T on the coding strand, the complement: SOS2 is on the minus strand). VCF-style: chr14-50188502-G-A. GRCh37 (hg19) VCF-style: chr14-50655220-G-A.
Other names: c.709C>T, p.Pro237Ser (NM_001411020.1); short protein forms P237S.
Identifiers: ClinVar variation 4748667 (VCV004748667.1).

ClinVar aggregate classification (germline): Uncertain significance (1 of 4 stars; one submission).

Conditions:
Noonan syndrome 9 (NS9). Identifiers: Orphanet 648, MedGen C4225282, MONDO:0014691, OMIM 616559.

gnomAD v4.1: 1 of 1,598,976 alleles (0.000063%); no homozygotes.

Submission:

Labcorp Genetics (formerly Invitae), Labcorp
Classification: Uncertain significance for Noonan syndrome 9. Last evaluated: 2025-08-11. Review status: criteria provided, single submitter. Criteria: Invitae Variant Classification Sherloc (09022015). Collection method: clinical testing. Allele origin: germline.
Comment: This sequence change replaces proline, which is neutral and non-polar, with serine, which is neutral and polar, at codon 237 of the SOS2 protein (p.Pro237Ser). This variant is not present in population databases (gnomAD no frequency). This variant has not been reported in the literature in individuals affected with SOS2-related conditions. Invitae Evidence Modeling of protein sequence and biophysical properties (such as structural, functional, and spatial information, amino acid conservation, physicochemical variation, residue mobility, and thermodynamic stability) indicates that this missense variant is not expected to disrupt SOS2 protein function with a negative predictive value of 95%. In summary, the available evidence is currently insufficient to determine the role of this variant in disease. Therefore, it has been classified as a Variant of Uncertain Significance.